The following is an entry in ClinVar:

NM_006662.3(SRCAP):c.7411C>T (p.Pro2471Ser)

Gene: SRCAP (Snf2 related CREBBP activator protein; plus strand). Cytogenetic location: 16p11.2.
Variant type: single nucleotide variant.
Coding change: c.7411C>T on transcript NM_006662.3 (MANE Select); coding-DNA position 7411, C replaced by T.
Protein change: p.Pro2471Ser; replaces proline 2471 with serine.
Molecular consequence: missense variant.
Genome position (GRCh38, 1-based): chr16:30,737,451, C>T. VCF-style: chr16-30737451-C-T. GRCh37 (hg19) VCF-style: chr16-30748772-C-T.
Other names: short protein forms P2471S.
Identifiers: ClinVar variation 1388178 (VCV001388178.6), dbSNP rs2151300153, ClinGen allele CA395632793.
Genomic context (GRCh38, chr16:30,737,451, plus strand): 5'-CCGGCTGCAATTCCTGCCCTTGTTCCTGTCCCAGTTTCTGCCCCAGTACCCATTTCAGCC[C>T]CAAATCCAATAACCATTCTCCCTGTCCATATCTTGCCTTCTCCTCCCCCTCCTTCACAGA-3'
Protein context (NP_006653.2, residues 2461-2481): PVSAPVPISA[Pro2471Ser]NPITILPVHI

ClinVar aggregate classification (germline): Uncertain significance (1 of 4 stars; one submission).

gnomAD v4.1: 1 of 1,592,816 alleles (0.000063%); no homozygotes.

Submission:

Labcorp Genetics (formerly Invitae), Labcorp
Classification: Uncertain significance. Last evaluated: 2025-06-04. Review status: criteria provided, single submitter. Criteria: Invitae Variant Classification Sherloc (09022015). Collection method: clinical testing. Allele origin: germline.
Comment: This sequence change replaces proline, which is neutral and non-polar, with serine, which is neutral and polar, at codon 2471 of the SRCAP protein (p.Pro2471Ser). This variant is not present in population databases (gnomAD no frequency). This variant has not been reported in the literature in individuals affected with SRCAP-related conditions. ClinVar contains an entry for this variant (Variation ID: 1388178). Invitae Evidence Modeling of protein sequence and biophysical properties (such as structural, functional, and spatial information, amino acid conservation, physicochemical variation, residue mobility, and thermodynamic stability) indicates that this missense variant is not expected to disrupt SRCAP protein function with a negative predictive value of 80%. In summary, the available evidence is currently insufficient to determine the role of this variant in disease. Therefore, it has been classified as a Variant of Uncertain Significance.